The following is an entry in ClinVar:

ClinVar aggregate classification (germline): Likely benign. Review status: criteria provided, multiple submitters, no conflicts (2 of 4 stars). 2 submissions from 2 submitters: Likely benign (2). Last evaluated 2024-07-18.

Allele frequency attached by ClinVar (database versions not stated): ExAC 0.00066; ESP Exome Variant Server 0.00113.

Submissions (2):

Blueprint Genetics
Classification: Likely benign. Last evaluated: 2024-07-18. Review status: criteria provided, single submitter. Criteria: ACMG Guidelines, 2015. Collection method: clinical testing. Allele origin: germline.

CeGaT Center for Human Genetics Tuebingen
Classification: Likely benign. Last evaluated: 2022-12-01. Review status: criteria provided, single submitter. Criteria: CeGaT Center For Human Genetics Tuebingen Variant Classification Criteria Version 2. Collection method: clinical testing. Allele origin: germline. Affected: yes. Observed: 1 variant allele.
Comment: HYDIN: BP4, BP7

NM_001270974.2(HYDIN):c.12249C>T (p.Leu4083=)

Gene: HYDIN (HYDIN axonemal central pair apparatus protein; minus strand). Cytogenetic location: 16q22.2.
Variant type: single nucleotide variant.
Coding change: c.12249C>T on transcript NM_001270974.2 (MANE Select); coding-DNA position 12249, C replaced by T.
Protein change: p.Leu4083=; no amino-acid change (leucine 4083 retained).
Molecular consequence: synonymous variant.
Genome position (GRCh38, 1-based): chr16:70,857,751, G>A on the plus strand (C>T on the coding strand, the complement: HYDIN is on the minus strand). VCF-style: chr16-70857751-G-A. GRCh37 (hg19) VCF-style: chr16-70891654-G-A.
Identifiers: ClinVar variation 2646703 (VCV002646703.25), dbSNP rs367747522, ClinGen allele CA8148831.